The following is an entry in ClinVar:

NM_014319.5(LEMD3):c.1660A>C (p.Thr554Pro)

Gene: LEMD3 (LEM domain containing 3; plus strand). Cytogenetic location: 12q14.3.
Variant type: single nucleotide variant.
Coding change: c.1660A>C on transcript NM_014319.5 (MANE Select); coding-DNA position 1660, A replaced by C.
Protein change: p.Thr554Pro; replaces threonine 554 with proline.
Molecular consequence: missense variant.
Genome position (GRCh38, 1-based): chr12:65,218,584, A>C. VCF-style: chr12-65218584-A-C. GRCh37 (hg19) VCF-style: chr12-65612364-A-C.
Other names: c.1657A>C, p.Thr553Pro (NM_001167614.2); short protein forms T553P, T554P.
Identifiers: ClinVar variation 1471755 (VCV001471755.6), dbSNP rs1870181070, ClinGen allele CA385677476.
Genomic context (GRCh38, chr12:65,218,584, plus strand): 5'-AAAATTAATAATATGCTAATCTTTCCAGGAGATCATGAATGTGGCAGTTCTAGTCAAAGA[A>C]CGCTTTCTGTTCAAGAGGCAGCTGCGTATTTAAAAGTAAGCAATGAAATTAGAATTTTAA-3'
Protein context (NP_055134.2, residues 544-564): DHECGSSSQR[Thr554Pro]LSVQEAAAYL

ClinVar aggregate classification (germline): Uncertain significance (1 of 4 stars; one submission).

Submission:

Labcorp Genetics (formerly Invitae), Labcorp
Classification: Uncertain significance. Last evaluated: 2023-11-20. Review status: criteria provided, single submitter. Criteria: Invitae Variant Classification Sherloc (09022015). Collection method: clinical testing. Allele origin: germline.
Comment: This sequence change replaces threonine, which is neutral and polar, with proline, which is neutral and non-polar, at codon 554 of the LEMD3 protein (p.Thr554Pro). This variant is not present in population databases (gnomAD no frequency). This variant has not been reported in the literature in individuals affected with LEMD3-related conditions. ClinVar contains an entry for this variant (Variation ID: 1471755). Advanced modeling of protein sequence and biophysical properties (such as structural, functional, and spatial information, amino acid conservation, physicochemical variation, residue mobility, and thermodynamic stability) performed at Invitae indicates that this missense variant is not expected to disrupt LEMD3 protein function with a negative predictive value of 80%. In summary, the available evidence is currently insufficient to determine the role of this variant in disease. Therefore, it has been classified as a Variant of Uncertain Significance.